The following is an entry in ClinVar:

NM_033026.6(PCLO):c.244C>G (p.His82Asp)

Gene: PCLO (piccolo presynaptic cytomatrix protein; minus strand). Cytogenetic location: 7q21.11.
Variant type: single nucleotide variant.
Coding change: c.244C>G on transcript NM_033026.6 (MANE Select); coding-DNA position 244, C replaced by G.
Protein change: p.His82Asp; replaces histidine 82 with aspartic acid.
Molecular consequence: missense variant.
Genome position (GRCh38, 1-based): chr7:83,162,349, G>C on the plus strand (C>G on the coding strand, the complement: PCLO is on the minus strand). VCF-style: chr7-83162349-G-C. GRCh37 (hg19) VCF-style: chr7-82791665-G-C.
Other names: c.244C>G, p.His82Asp (NM_014510.3); short protein forms H82D.
Identifiers: ClinVar variation 1368613 (VCV001368613.8), dbSNP rs2116713390, ClinGen allele CA367922146.

ClinVar aggregate classification (germline): Uncertain significance (1 of 4 stars; one submission).

Submission:

Labcorp Genetics (formerly Invitae), Labcorp
Classification: Uncertain significance. Last evaluated: 2022-02-09. Review status: criteria provided, single submitter. Criteria: Invitae Variant Classification Sherloc (09022015). Collection method: clinical testing. Allele origin: germline.
Comment: This sequence change replaces histidine, which is basic and polar, with aspartic acid, which is acidic and polar, at codon 82 of the PCLO protein (p.His82Asp). This variant is not present in population databases (gnomAD no frequency). This variant has not been reported in the literature in individuals affected with PCLO-related conditions. Algorithms developed to predict the effect of missense changes on protein structure and function are either unavailable or do not agree on the potential impact of this missense change (SIFT: "Deleterious"; PolyPhen-2: "Not Available"; Align-GVGD: "Class C0"). In summary, the available evidence is currently insufficient to determine the role of this variant in disease. Therefore, it has been classified as a Variant of Uncertain Significance.